The following is an entry in ClinVar:

NM_004239.4(TRIP11):c.5519C>G (p.Ser1840Ter)

Gene: TRIP11 (thyroid hormone receptor interactor 11; minus strand). Cytogenetic location: 14q32.12.
Variant type: single nucleotide variant.
Coding change: c.5519C>G on transcript NM_004239.4 (MANE Select); coding-DNA position 5519, C replaced by G.
Protein change: p.Ser1840Ter; replaces serine 1840 with a stop codon.
Molecular consequence: nonsense.
Genome position (GRCh38, 1-based): chr14:91,974,682, G>C on the plus strand (C>G on the coding strand, the complement: TRIP11 is on the minus strand). VCF-style: chr14-91974682-G-C. GRCh37 (hg19) VCF-style: chr14-92441026-G-C.
Other names: c.5516C>G, p.Ser1839Ter (NM_001321851.1); short protein forms S1839*, S1840*.
Identifiers: ClinVar variation 2768462 (VCV002768462.3), dbSNP rs2056442109, ClinGen allele CA390644275.

ClinVar aggregate classification (germline): Pathogenic (1 of 4 stars; one submission).

Conditions:
Achondrogenesis, type IA (ACG1A). Identifiers: Orphanet 932, Orphanet 93299, MedGen C0265273, MONDO:0008701, OMIM 200600.

Submission:

Labcorp Genetics (formerly Invitae), Labcorp
Classification: Pathogenic for Achondrogenesis, type IA. Last evaluated: 2023-10-23. Review status: criteria provided, single submitter. Criteria: Invitae Variant Classification Sherloc (09022015). Collection method: clinical testing. Allele origin: germline.
Comment: This sequence change creates a premature translational stop signal (p.Ser1840*) in the TRIP11 gene. It is expected to result in an absent or disrupted protein product. Loss-of-function variants in TRIP11 are known to be pathogenic (PMID: 20089971, 23956106). This variant is not present in population databases (gnomAD no frequency). This variant has not been reported in the literature in individuals affected with TRIP11-related conditions. Algorithms developed to predict the effect of sequence changes on RNA splicing suggest that this variant may disrupt the consensus splice site. For these reasons, this variant has been classified as Pathogenic.

Literature cited by the submitters: PubMed 20089971; PubMed 23956106.